The following is an entry in ClinVar:

NM_000053.4(ATP7B):c.710C>A (p.Ser237Tyr)

Gene: ATP7B (ATPase copper transporting beta; minus strand). Cytogenetic location: 13q14.3.
Variant type: single nucleotide variant.
Coding change: c.710C>A on transcript NM_000053.4 (MANE Select); coding-DNA position 710, C replaced by A.
Protein change: p.Ser237Tyr; replaces serine 237 with tyrosine.
Molecular consequence: missense variant.
Genome position (GRCh38, 1-based): chr13:51,974,510, G>T on the plus strand (C>A on the coding strand, the complement: ATP7B is on the minus strand). VCF-style: chr13-51974510-G-T. GRCh37 (hg19) VCF-style: chr13-52548646-G-T.
Other names: c.710C>A, p.Ser237Tyr (NM_001406537.1, NM_001406538.1, NM_001406523.1 and 30 more transcripts); c.614C>A, p.Ser205Tyr (NM_001406543.1, NM_001406544.1, NM_001406517.1 and 4 more transcripts); short protein forms S205Y, S237Y.
Identifiers: ClinVar variation 3073883 (VCV003073883.1), dbSNP rs2547819421, ClinGen allele CA388041822.
Genomic context (GRCh38, chr13:51,974,510, plus strand): 5'-ACCACATGGCTTCCTTGGTGCCCCAAGGTCTCAGAATTATTAAAATTCTGGTTAGCAGAA[G>T]ATAAAGGTCTCTTTGGGTTAGTGCTTTGTAACCGCTCAATATCAATTGGTCCCAGGCTTA-3'
Protein context (NP_000044.2, residues 227-247): LQSTNPKRPL[Ser237Tyr]SANQNFNNSE

ClinVar aggregate classification (germline): Uncertain significance (1 of 4 stars; one submission).

Conditions:
Wilson disease (WND). Also called: Wilson's disease. Identifiers: Orphanet 905, MedGen C0019202, MONDO:0010200, OMIM 277900. Disease mechanism: loss of function.

gnomAD v4.1: 6 of 1,614,194 alleles (0.00037%); highest among the groups gnomAD compares: Non-Finnish European, 0.00051%; no homozygotes.

Submission:

All of Us Research Program, National Institutes of Health
Classification: Uncertain significance for Wilson disease. Last evaluated: 2023-11-30. Review status: criteria provided, single submitter. Criteria: ACMG Guidelines, 2015. Collection method: clinical testing. Allele origin: germline. Inheritance: Autosomal recessive inheritance. Observed: 1 variant allele, 1 heterozygote.
Comment: This study involves interpretation of variants in research participants for the purpose of population health screening. Participant phenotype was not available at the time of variant classification. Additional details can be found in publication PMID: 35346344, PMCID: PMC8962531